The following is an entry in ClinVar:

ClinVar aggregate classification (germline): Uncertain significance (1 of 4 stars; one submission).

Conditions:
Meckel-Gruber syndrome. Also called: Dysencephalia splachnocystica; DYSENCEPHALIA SPLANCHNOCYSTICA; GRUBER SYNDROME. Identifiers: Orphanet 564, MedGen C0265215, MONDO:0018921.
Joubert syndrome. Also called: Familial aplasia of the vermis; CEREBELLOPARENCHYMAL DISORDER IV; JOUBERT-BOLTSHAUSER SYNDROME. Identifiers: Orphanet 475, MedGen C5979921, MONDO:0018772.

Submission:

Labcorp Genetics (formerly Invitae), Labcorp
Classification: Uncertain significance for Joubert syndrome; Meckel-Gruber syndrome. Last evaluated: 2022-08-23. Review status: criteria provided, single submitter. Criteria: Invitae Variant Classification Sherloc (09022015). Collection method: clinical testing. Allele origin: germline.
Comment: In summary, the available evidence is currently insufficient to determine the role of this variant in disease. Therefore, it has been classified as a Variant of Uncertain Significance. Algorithms developed to predict the effect of missense changes on protein structure and function (SIFT, PolyPhen-2, Align-GVGD) all suggest that this variant is likely to be tolerated. ClinVar contains an entry for this variant (Variation ID: 942598). This variant has not been reported in the literature in individuals affected with TMEM67-related conditions. This variant is not present in population databases (gnomAD no frequency). This sequence change replaces phenylalanine, which is neutral and non-polar, with leucine, which is neutral and non-polar, at codon 177 of the TMEM67 protein (p.Phe177Leu).

NM_153704.6(TMEM67):c.531T>G (p.Phe177Leu)

Gene: TMEM67 (transmembrane protein 67; plus strand). Cytogenetic location: 8q22.1.
Variant type: single nucleotide variant.
Coding change: c.531T>G on transcript NM_153704.6 (MANE Select); coding-DNA position 531, T replaced by G.
Protein change: p.Phe177Leu; replaces phenylalanine 177 with leucine.
Molecular consequence: missense variant. On other transcripts: non-coding transcript variant (1).
Genome position (GRCh38, 1-based): chr8:93,765,430, T>G. VCF-style: chr8-93765430-T-G. GRCh37 (hg19) VCF-style: chr8-94777658-T-G.
Other names: c.288T>G, p.Phe96Leu (NM_001142301.1); short protein forms F96L, F177L.
Identifiers: ClinVar variation 942598 (VCV000942598.10), dbSNP rs1813038272, ClinGen allele CA371686894.